The following is an entry in ClinVar:

ClinVar aggregate classification (germline): Uncertain significance (1 of 4 stars; one submission).

Allele frequency attached by ClinVar (database versions not stated): gnomAD exomes 0.00002; ExAC 0.00004; ESP Exome Variant Server 0.00008; gnomAD 0.00009; TOPMed 0.00009; 1000 Genomes Project 30x 0.00016; 1000 Genomes Project 0.00020.
gnomAD v4.1: 46 of 1,612,980 alleles (0.0029%); highest among the groups gnomAD compares: African/African-American, 0.029%; no homozygotes.

Submission:

Labcorp Genetics (formerly Invitae), Labcorp
Classification: Uncertain significance. Last evaluated: 2022-11-25. Review status: criteria provided, single submitter. Criteria: Invitae Variant Classification Sherloc (09022015). Collection method: clinical testing. Allele origin: germline.
Comment: This variant has not been reported in the literature in individuals affected with APCDD1-related conditions. Advanced modeling of protein sequence and biophysical properties (such as structural, functional, and spatial information, amino acid conservation, physicochemical variation, residue mobility, and thermodynamic stability) performed at Invitae indicates that this missense variant is not expected to disrupt APCDD1 protein function. In summary, the available evidence is currently insufficient to determine the role of this variant in disease. Therefore, it has been classified as a Variant of Uncertain Significance. This variant is present in population databases (rs116328641, gnomAD 0.03%). This sequence change replaces glutamic acid, which is acidic and polar, with lysine, which is basic and polar, at codon 161 of the APCDD1 protein (p.Glu161Lys).

NM_153000.5(APCDD1):c.481G>A (p.Glu161Lys)

Gene: APCDD1 (APC down-regulated 1; plus strand). Cytogenetic location: 18p11.22.
Variant type: single nucleotide variant.
Coding change: c.481G>A on transcript NM_153000.5 (MANE Select); coding-DNA position 481, G replaced by A.
Protein change: p.Glu161Lys; replaces glutamic acid 161 with lysine.
Molecular consequence: missense variant.
Genome position (GRCh38, 1-based): chr18:10,471,768, G>A. VCF-style: chr18-10471768-G-A. GRCh37 (hg19) VCF-style: chr18-10471765-G-A.
Other names: short protein forms E161K.
Identifiers: ClinVar variation 2900977 (VCV002900977.3), dbSNP rs116328641, ClinGen allele CA8891025.
Genomic context (GRCh38, chr18:10,471,768, plus strand): 5'-ACGGAAGCCGACTACCAGCTGCACAACGTCCAGGTGATCTGCCACACAGAGGCGGTGGCC[G>A]AGAAGCTCGGCCAGCAGGTGAACCGCACATGCCCGGGCTTCCTCGCAGACGGGGGTCCCT-3'
Protein context (NP_694545.1, residues 151-171): QVICHTEAVA[Glu161Lys]KLGQQVNRTC